The following is an entry in ClinVar:

NM_004360.5(CDH1):c.688C>T (p.Leu230Phe)

Gene: CDH1 (cadherin 1; plus strand). Cytogenetic location: 16q22.1.
Variant type: single nucleotide variant.
Coding change: c.688C>T on transcript NM_004360.5 (MANE Select); coding-DNA position 688, C replaced by T.
Protein change: p.Leu230Phe; replaces leucine 230 with phenylalanine.
Molecular consequence: missense variant. On other transcripts: 5 prime UTR variant (2).
Genome position (GRCh38, 1-based): chr16:68,810,197, C>T. VCF-style: chr16-68810197-C-T. GRCh37 (hg19) VCF-style: chr16-68844100-C-T.
Other names: c.688C>T, p.Leu230Phe (NM_001317184.2); c.-928C>T (NM_001317185.2); c.-1132C>T (NM_001317186.2); short protein forms L230F.
Identifiers: ClinVar variation 3703041 (VCV003703041.2).
Genomic context (GRCh38, chr16:68,810,197, plus strand): 5'-CCCTTCTCCCATGTTTTCTTCCTCATCAGAGCTCAAGTCACCCTCACTTGGTTCTTTCAG[C>T]TCTTCTCTCACGCTGTGTCATCCAACGGGAATGCAGTTGAGGATCCAATGGAGATTTTGA-3'
Protein context (NP_004351.1, residues 220-240): LDRERIATYT[Leu230Phe]FSHAVSSNGN

ClinVar aggregate classification (germline): Uncertain significance (1 of 4 stars; one submission).

Conditions:
Hereditary diffuse gastric adenocarcinoma (HDGC). Also called: DIFFUSE GASTRIC AND LOBULAR BREAST CANCER SYNDROME. Identifiers: Orphanet 26106, MedGen C1708349, MONDO:0007648, OMIM 137215.

Submission:

Labcorp Genetics (formerly Invitae), Labcorp
Classification: Uncertain significance for Hereditary diffuse gastric adenocarcinoma. Last evaluated: 2024-08-28. Review status: criteria provided, single submitter. Criteria: Invitae Variant Classification Sherloc (09022015). Collection method: clinical testing. Allele origin: germline.
Comment: This sequence change replaces leucine, which is neutral and non-polar, with phenylalanine, which is neutral and non-polar, at codon 230 of the CDH1 protein (p.Leu230Phe). This variant is not present in population databases (gnomAD no frequency). This variant has not been reported in the literature in individuals affected with CDH1-related conditions. An algorithm developed to predict the effect of missense changes on protein structure and function (PolyPhen-2) suggests that this variant is likely to be disruptive. In summary, the available evidence is currently insufficient to determine the role of this variant in disease. Therefore, it has been classified as a Variant of Uncertain Significance.